The following is an entry in ClinVar:

ClinVar aggregate classification (germline): Pathogenic. Review status: criteria provided, multiple submitters, no conflicts (2 of 4 stars). 6 submissions from 6 submitters: Pathogenic (6). Last evaluated 2026-09-08.

Conditions:
Fabry disease. Also called: ALPHA-GALACTOSIDASE A DEFICIENCY; ANDERSON-FABRY DISEASE; Fabry's disease; Ceramide trihexosidosis; Angiokeratoma corporis diffusum; CERAMIDE TRIHEXOSIDASE DEFICIENCY. Identifiers: Orphanet 324, MedGen C0002986, MONDO:0010526, OMIM 301500, HP:0001071. Disease mechanism: loss of function, Fabry disease is due to inactivating mutations in the X-linked GLA gene resulting in deficiency of the enzyme Alpha Galactosidase-A..

Submissions (6):

Genomenon, Inc
Classification: Pathogenic for Fabry disease. Last evaluated: 2026-09-08. Review status: criteria provided, single submitter. Criteria: Genomenon Sequence Variant Interpretation Standards - Updated. Collection method: curation. Allele origin: germline. Affected: yes.
Comment: GLA p.Gln283Ter (c.847C>T) is a nonsense variant that introduces a premature stop codon at amino acid position 283 and is predicted to result in a truncated or absent protein product. This variant has been observed in at least one proband with clinical features consistent with Fabry disease (PMID:30064518;32442237;18387337;38002959;40692291;30594474;28500230). The variant was found to segregate with disease in at least one affected family (PMID:40692291;36140787). Functional or patient cell studies have been reported (PMID:30594474;36140787). It is absent or not present at a significant frequency in gnomAD. In conclusion, we classify GLA p.Gln283Ter (c.847C>T) as a pathogenic variant.

Labcorp Genetics (formerly Invitae), Labcorp
Classification: Pathogenic for Fabry disease. Last evaluated: 2024-02-14. Review status: criteria provided, single submitter. Criteria: Invitae Variant Classification Sherloc (09022015). Collection method: clinical testing. Allele origin: germline.
Comment: This sequence change creates a premature translational stop signal (p.Gln283*) in the GLA gene. It is expected to result in an absent or disrupted protein product. Loss-of-function variants in GLA are known to be pathogenic (PMID: 10666480, 12175777). This variant is not present in population databases (gnomAD no frequency). This premature translational stop signal has been observed in individuals with Fabry disease (PMID: 17656478, 18387337, 19320660). ClinVar contains an entry for this variant (Variation ID: 180843). For these reasons, this variant has been classified as Pathogenic.

Revvity Omics, Revvity
Classification: Pathogenic. Last evaluated: 2022-04-14. Review status: criteria provided, single submitter. Criteria: ACMG Guidelines, 2015. Collection method: clinical testing. Allele origin: germline.

Genome-Nilou Lab
Classification: Pathogenic for Fabry disease. Last evaluated: 2021-07-15. Review status: criteria provided, single submitter. Criteria: ACMG Guidelines, 2015. Collection method: clinical testing. Allele origin: germline. Affected: no.

GeneDx
Classification: Pathogenic. Last evaluated: 2017-03-06. Review status: criteria provided, single submitter. Criteria: GeneDx Variant Classification (06012015). Collection method: clinical testing. Allele origin: germline. Affected: yes.
Comment: The Gln283Stop mutation in the GLA gene has been reported in association with Fabry disease (Tahir H et al., 2007; Laaksonen S et al., 2008). Gln283Stop is predicted to cause loss of normal protein function either by protein truncation or nonsense-mediated mRNA decay. Other nonsense mutations in the GLA gene have been reported in association with Fabry disease. In summary, Gln283Stop in the GLA gene is interpreted as a disease-causing mutation. The variant is found in HCM panel(s).

Eurofins Ntd Llc (ga)
Classification: Pathogenic. Last evaluated: 2015-12-23. Review status: criteria provided, single submitter. Criteria: EGL Classification Definitions 2015. Collection method: clinical testing. Allele origin: germline. Observed: 1 variant allele, 1 hemizygote.

Literature cited by the submitters: PubMed 30064518 (cited by Genomenon, Inc); PubMed 32442237 (cited by Genomenon, Inc); PubMed 18387337 (cited by Genomenon, Inc and Labcorp Genetics (formerly Invitae), Labcorp); PubMed 38002959 (cited by Genomenon, Inc); PubMed 40692291 (cited by Genomenon, Inc); PubMed 30594474 (cited by Genomenon, Inc); PubMed 28500230 (cited by Genomenon, Inc); PubMed 36140787 (cited by Genomenon, Inc); PubMed 10666480 (cited by Labcorp Genetics (formerly Invitae), Labcorp); PubMed 12175777 (cited by Labcorp Genetics (formerly Invitae), Labcorp); PubMed 17656478 (cited by Labcorp Genetics (formerly Invitae), Labcorp); PubMed 19320660 (cited by Labcorp Genetics (formerly Invitae), Labcorp).

NM_000169.3(GLA):c.847C>T (p.Gln283Ter)

Genes: GLA (galactosidase alpha; minus strand), RPL36A-HNRNPH2 (RPL36A-HNRNPH2 readthrough; plus strand). Cytogenetic location: Xq22.1.
Variant type: single nucleotide variant.
Coding change: c.847C>T on transcript NM_000169.3 (MANE Select); coding-DNA position 847, C replaced by T.
Protein change: p.Gln283Ter; replaces glutamine 283 with a stop codon.
Molecular consequence: nonsense. On other transcripts: non-coding transcript variant (3), intron variant (2).
Genome position (GRCh38, 1-based): chrX:101,398,522, G>A on the plus strand (C>T on the coding strand, the complement: GLA is on the minus strand). VCF-style: chrX-101398522-G-A. GRCh37 (hg19) VCF-style: chrX-100653510-G-A.
Other names: p.Q283*:CAG>TAG; c.970C>T, p.Gln324Ter (NM_001406747.1); c.847C>T, p.Gln283Ter (NM_001406748.1); c.300+3065G>A (NM_001199973.2); c.177+6700G>A (NM_001199974.2); short protein forms Q283*, Q324*.
Identifiers: ClinVar variation 180843 (VCV000180843.15), dbSNP rs730880452, ClinGen allele CA022122.
Genomic context (GRCh38, chrX:101,398,522, plus strand): 5'-TGTGTCGGAGGTCATTAGACATGAATAAAGGAGCAGCCATGATAGCCCAGAGGGCCATCT[G>A]AGTTACTTGCTGATTCCAGCTGAGGCCAAAGTTGCCAATCACTAACTGAGAAAAAGAATG-3'